The following is an entry in ClinVar:

NM_000092.5(COL4A4):c.4576A>G (p.Asn1526Asp)

Gene: COL4A4 (collagen type IV alpha 4 chain; minus strand). Cytogenetic location: 2q36.3.
Variant type: single nucleotide variant.
Coding change: c.4576A>G on transcript NM_000092.5 (MANE Select); coding-DNA position 4576, A replaced by G.
Protein change: p.Asn1526Asp; replaces asparagine 1526 with aspartic acid.
Molecular consequence: missense variant.
Genome position (GRCh38, 1-based): chr2:227,008,251, T>C on the plus strand (A>G on the coding strand, the complement: COL4A4 is on the minus strand). VCF-style: chr2-227008251-T-C. GRCh37 (hg19) VCF-style: chr2-227872967-T-C.
Other names: short protein forms N1526D.
Identifiers: ClinVar variation 5003343 (VCV005003343.1).
Genomic context (GRCh38, chr2:227,008,251, plus strand): 5'-CGCTGGCCAGCCAGTAGGATCTGTCGTTTCTCTGGGCATAGTGGCACACCTGGTGGATGT[T>C]GCAGTAGGCAAAGGGCAGCGTGCTAAATACGGGAAGGCAAGACCCTGCCAGACCTTGGGA-3'
Protein context (NP_000083.3, residues 1516-1536): VFSTLPFAYC[Asn1526Asp]IHQVCHYAQR

ClinVar aggregate classification (germline): Uncertain significance (1 of 4 stars; one submission).

Conditions:
Alport syndrome. Also called: Hemorrhagic familial nephritis; Hemorrhagic hereditary nephritis; Congenital hereditary hematuria. Identifiers: Orphanet 63, MedGen C1567741, MONDO:0018965.

gnomAD v4.1: 2 of 1,614,218 alleles (0.00012%); highest among the groups gnomAD compares: Middle Eastern, 0.016%; no homozygotes.

Submission:

Myriad Genetics, Inc.
Classification: Uncertain significance for Alport syndrome. Last evaluated: 2026-01-29. Review status: criteria provided, single submitter. Criteria: Myriad Autosomal Dominant, Autosomal Recessive and X-Linked Classification Criteria (2023). Collection method: clinical testing. Allele origin: unknown.
Comment: NM_000092.4(COL4A4):c.4576A>G(N1526D) is a missense variant classified as a variant of uncertain significance in the context of Alport syndrome, COL4A4-related. N1526D has not been observed in cases with relevant disease. Relevant functional assessments of this variant are not available in the literature. N1526D has not been observed in referenced population frequency databases. In summary, there is insufficient evidence to classify NM_000092.4(COL4A4):c.4576A>G(N1526D) as pathogenic or benign. Please note: this variant was assessed in the context of healthy population screening.